The following is an entry in ClinVar:

NM_201384.3(PLEC):c.7294C>T (p.Gln2432Ter)

Gene: PLEC (plectin; minus strand). Cytogenetic location: 8q24.3.
Variant type: single nucleotide variant.
Coding change: c.7294C>T on transcript NM_201384.3 (MANE Select); coding-DNA position 7294, C replaced by T.
Protein change: p.Gln2432Ter; replaces glutamine 2432 with a stop codon.
Molecular consequence: nonsense. On other transcripts: intron variant (1).
Genome position (GRCh38, 1-based): chr8:143,922,635, G>A on the plus strand (C>T on the coding strand, the complement: PLEC is on the minus strand). VCF-style: chr8-143922635-G-A. GRCh37 (hg19) VCF-style: chr8-144996803-G-A.
Other names: c.7375C>T, p.Gln2459Ter (NM_000445.5); c.7252C>T, p.Gln2418Ter (NM_201378.4); c.7228C>T, p.Gln2410Ter (NM_201379.3); c.7705C>T, p.Gln2569Ter (NM_201380.4); c.7198C>T, p.Gln2400Ter (NM_201381.3); c.7294C>T, p.Gln2432Ter (NM_201382.4); c.7306C>T, p.Gln2436Ter (NM_201383.3); c.4126-240C>T (NM_001410941.1); short protein forms Q2400*, Q2410*, Q2418*, Q2432*, Q2436*, Q2459*, Q2569*.
Identifiers: ClinVar variation 3902266 (VCV003902266.1).

ClinVar aggregate classification (germline): Pathogenic (1 of 4 stars; one submission).

Conditions:
Epidermolysis bullosa simplex 5C, with pyloric atresia (EBS5C). Also called: PLEC-Related Epidermolysis Bullosa with Pyloric Atresia; Epidermolysis bullosa simplex with pyloric atresia; PLEC1-Related Epidermolysis Bullosa with Pyloric Atresia. Identifiers: Orphanet 158684, MedGen C2677349, MONDO:0012807, OMIM 612138.

gnomAD v4.1: 1 of 1,613,612 alleles (0.000062%); highest among the groups gnomAD compares: Non-Finnish European, 0.000085%; no homozygotes.

Submission:

Women's Health and Genetics/Laboratory Corporation of America, LabCorp
Classification: Pathogenic for Epidermolysis bullosa simplex 5C, with pyloric atresia. Last evaluated: 2025-05-13. Review status: criteria provided, single submitter. Criteria: LabCorp Variant Classification Summary - May 2015. Collection method: clinical testing. Allele origin: germline.
Comment: Variant summary: PLEC c.7375C>T (p.Gln2459X) results in a premature termination codon, predicted to cause a truncation of the encoded protein or absence of the protein due to nonsense mediated decay, which are commonly known mechanisms for disease. The frequency data for this variant in gnomAD is considered unreliable, as metrics indicate poor data quality at this position. To our knowledge, no occurrence of c.7375C>T in individuals affected with Epidermolysis bullosa simplex 5C, with pyloric atresia and no experimental evidence demonstrating its impact on protein function have been reported. No submitters have cited clinical-significance assessments for this variant to ClinVar. Based on the evidence outlined above, the variant was classified as pathogenic.